The following is an entry in ClinVar:

ClinVar aggregate classification (germline): Likely benign. Review status: criteria provided, multiple submitters, no conflicts (2 of 4 stars). 2 submissions from 2 submitters: Likely benign (2). Last evaluated 2024-02-01.

Allele frequency attached by ClinVar (database versions not stated): gnomAD exomes below 0.00001; TOPMed 0.00001.
gnomAD v4.1: 6 of 1,599,218 alleles (0.00038%); highest among the groups gnomAD compares: South Asian, 0.0011%; no homozygotes.

Submissions (2):

Labcorp Genetics (formerly Invitae), Labcorp
Classification: Likely benign. Last evaluated: 2024-02-01. Review status: criteria provided, single submitter. Criteria: Invitae Variant Classification Sherloc (09022015). Collection method: clinical testing. Allele origin: germline.

GeneDx
Classification: Likely benign. Last evaluated: 2016-10-12. Review status: criteria provided, single submitter. Criteria: GeneDx Variant Classification (06012015). Collection method: clinical testing. Allele origin: germline. Affected: yes.
Comment: This variant is considered likely benign or benign based on one or more of the following criteria: it is a conservative change, it occurs at a poorly conserved position in the protein, it is predicted to be benign by multiple in silico algorithms, and/or has population frequency not consistent with disease.

NM_020320.5(RARS2):c.395+14C>T

Gene: RARS2 (arginyl-tRNA synthetase 2, mitochondrial; minus strand). Cytogenetic location: 6q15.
Variant type: single nucleotide variant.
Coding change: c.395+14C>T on transcript NM_020320.5 (MANE Select); 14 bases into the intron after coding-DNA position 395, C replaced by T.
Molecular consequence: intron variant.
Genome position (GRCh38, 1-based): chr6:87,555,394, G>A on the plus strand (C>T on the coding strand, the complement: RARS2 is on the minus strand). VCF-style: chr6-87555394-G-A. GRCh37 (hg19) VCF-style: chr6-88265112-G-A.
Other names: c.395+14C>T (NM_001350505.2); c.-75+14C>T (NM_001350509.2, NM_001318785.2); c.-131+14C>T (NM_001350506.2, NM_001350510.2, NM_001350511.2 and 1 more transcripts); c.-293+14C>T (NM_001350508.2).
Identifiers: ClinVar variation 389911 (VCV000389911.4), dbSNP rs1057523578, ClinGen allele CA16605098.